The following is an entry in ClinVar:

NM_003803.4(MYOM1):c.836T>C (p.Phe279Ser)

Gene: MYOM1 (myomesin 1; minus strand). Cytogenetic location: 18p11.31.
Variant type: single nucleotide variant.
Coding change: c.836T>C on transcript NM_003803.4 (MANE Select); coding-DNA position 836, T replaced by C.
Protein change: p.Phe279Ser; replaces phenylalanine 279 with serine.
Molecular consequence: missense variant.
Genome position (GRCh38, 1-based): chr18:3,187,573, A>G on the plus strand (T>C on the coding strand, the complement: MYOM1 is on the minus strand). VCF-style: chr18-3187573-A-G. GRCh37 (hg19) VCF-style: chr18-3187571-A-G.
Other names: c.836T>C, p.Phe279Ser (NM_019856.2); short protein forms F279S.
Identifiers: ClinVar variation 1478201 (VCV001478201.8), dbSNP rs2144142432, ClinGen allele CA401716238.

ClinVar aggregate classification (germline): Uncertain significance (1 of 4 stars; one submission).

Conditions:
Hypertrophic cardiomyopathy. Also called: HYPERTROPHIC MYOCARDIOPATHY. Identifiers: Orphanet 217569, MedGen C0007194, MeSH D002312, MONDO:0005045, HP:0001639.

Submission:

Labcorp Genetics (formerly Invitae), Labcorp
Classification: Uncertain significance for Hypertrophic cardiomyopathy. Last evaluated: 2021-05-25. Review status: criteria provided, single submitter. Criteria: Invitae Variant Classification Sherloc (09022015). Collection method: clinical testing. Allele origin: germline.
Comment: This sequence change replaces phenylalanine with serine at codon 279 of the MYOM1 protein (p.Phe279Ser). The phenylalanine residue is highly conserved and there is a large physicochemical difference between phenylalanine and serine. This variant is not present in population databases (ExAC no frequency). This variant has not been reported in the literature in individuals with MYOM1-related conditions. Algorithms developed to predict the effect of missense changes on protein structure and function are either unavailable or do not agree on the potential impact of this missense change (SIFT: "Deleterious"; PolyPhen-2: "Probably Damaging"; Align-GVGD: "Class C0"). In summary, the available evidence is currently insufficient to determine the role of this variant in disease. Therefore, it has been classified as a Variant of Uncertain Significance.